The following is an entry in ClinVar:

NM_017633.3(TENT5A):c.368C>T (p.Ser123Leu)

Gene: TENT5A (terminal nucleotidyltransferase 5A; minus strand). Cytogenetic location: 6q14.1.
Variant type: single nucleotide variant.
Coding change: c.368C>T on transcript NM_017633.3 (MANE Select); coding-DNA position 368, C replaced by T.
Protein change: p.Ser123Leu; replaces serine 123 with leucine.
Molecular consequence: missense variant.
Genome position (GRCh38, 1-based): chr6:81,751,774, G>A on the plus strand (C>T on the coding strand, the complement: TENT5A is on the minus strand). VCF-style: chr6-81751774-G-A. GRCh37 (hg19) VCF-style: chr6-82461491-G-A.
Other names: short protein forms S123L.
Identifiers: ClinVar variation 2128987 (VCV002128987.2), dbSNP rs2481782415, ClinGen allele CA365034086.

ClinVar aggregate classification (germline): Uncertain significance (1 of 4 stars; one submission).

Submission:

Labcorp Genetics (formerly Invitae), Labcorp
Classification: Uncertain significance. Last evaluated: 2022-10-03. Review status: criteria provided, single submitter. Criteria: Invitae Variant Classification Sherloc (09022015). Collection method: clinical testing. Allele origin: germline.
Comment: In summary, the available evidence is currently insufficient to determine the role of this variant in disease. Therefore, it has been classified as a Variant of Uncertain Significance. Advanced modeling of protein sequence and biophysical properties (such as structural, functional, and spatial information, amino acid conservation, physicochemical variation, residue mobility, and thermodynamic stability) performed at Invitae indicates that this missense variant is not expected to disrupt FAM46A protein function. This variant has not been reported in the literature in individuals affected with FAM46A-related conditions. This variant is not present in population databases (gnomAD no frequency). This sequence change replaces serine, which is neutral and polar, with leucine, which is neutral and non-polar, at codon 123 of the FAM46A protein (p.Ser123Leu).